The following is an entry in ClinVar:

NM_003482.4(KMT2D):c.7515G>A (p.Glu2505=)

Gene: KMT2D (lysine methyltransferase 2D; minus strand). Cytogenetic location: 12q13.12.
Variant type: single nucleotide variant.
Coding change: c.7515G>A on transcript NM_003482.4 (MANE Select); coding-DNA position 7515, G replaced by A.
Protein change: p.Glu2505=; no amino-acid change (glutamic acid 2505 retained).
Molecular consequence: synonymous variant.
Genome position (GRCh38, 1-based): chr12:49,040,255, C>T on the plus strand (G>A on the coding strand, the complement: KMT2D is on the minus strand). VCF-style: chr12-49040255-C-T. GRCh37 (hg19) VCF-style: chr12-49434038-C-T.
Identifiers: ClinVar variation 2086099 (VCV002086099.7), dbSNP rs755406867, ClinGen allele CA6547049.

ClinVar aggregate classification (germline): Conflicting classifications of pathogenicity. Review status: criteria provided, conflicting classifications (1 of 4 stars). 3 submissions from 3 submitters: Uncertain significance (1); Benign (1). 1 of the submissions does not count toward it. Last evaluated 2025-12-26.

Conditions:
Kabuki syndrome. Also called: Kabuki make-up syndrome; NIIKAWA-KUROKI SYNDROME. Identifiers: Orphanet 2322, MedGen C0796004, MONDO:0016512.
Kabuki syndrome 1 (KABUK1). Also called: KMT2D-Related Kabuki Syndrome. Identifiers: Orphanet 2322, MedGen CN030661, MONDO:0007843, OMIM 147920.
Choanal atresia-athelia-hypothyroidism-delayed puberty-short stature syndrome (BCAHH). Also called: BRANCHIAL ARCH ABNORMALITIES, CHOANAL ATRESIA, ATHELIA, HEARING LOSS, AND HYPOTHYROIDISM SYNDROME. Identifiers: Orphanet 589856, MedGen C5680310, MONDO:0035651, OMIM 620186.
KMT2D-related disorder. Also called: KMT2D-Related Disorders.

Allele frequency attached by ClinVar (database versions not stated): ExAC 0.00001; gnomAD exomes 0.00001; gnomAD 0.00006; TOPMed 0.00008.
gnomAD v4.1: 18 of 1,612,342 alleles (0.0011%); highest among the groups gnomAD compares: African/African-American, 0.024%; no homozygotes.

Submissions (3):

Labcorp Genetics (formerly Invitae), Labcorp
Classification: Benign for Kabuki syndrome. Last evaluated: 2025-12-26. Review status: criteria provided, single submitter. Criteria: Invitae Variant Classification Sherloc (09022015). Collection method: clinical testing. Allele origin: germline.

Fulgent Genetics
Classification: Uncertain significance for Kabuki syndrome 1; Choanal atresia-athelia-hypothyroidism-delayed puberty-short stature syndrome. Last evaluated: 2024-06-06. Review status: criteria provided, single submitter. Criteria: ACMG Guidelines, 2015. Collection method: clinical testing. Allele origin: germline.

PreventionGenetics, part of Exact Sciences
Classification: Likely benign for KMT2D-related condition. Last evaluated: 2022-11-21. Review status: no assertion criteria provided. Collection method: clinical testing. Allele origin: germline. Not counted in ClinVar's aggregate classification.
Comment: This variant is classified as likely benign based on ACMG/AMP sequence variant interpretation guidelines (Richards et al. 2015 PMID: 25741868, with internal and published modifications).